The following is an entry in ClinVar:

NM_001035.3(RYR2):c.7342+197G>A

Gene: RYR2 (ryanodine receptor 2; plus strand). Cytogenetic location: 1q43.
Variant type: single nucleotide variant.
Coding change: c.7342+197G>A on transcript NM_001035.3 (MANE Select); 197 bases into the intron after coding-DNA position 7342, G replaced by A.
Molecular consequence: intron variant.
Genome position (GRCh38, 1-based): chr1:237,643,644, G>A. VCF-style: chr1-237643644-G-A. GRCh37 (hg19) VCF-style: chr1-237806944-G-A.
Identifiers: ClinVar variation 672211 (VCV000672211.1), dbSNP rs11583669, ClinGen allele CA16083581.

ClinVar aggregate classification (germline): Benign (1 of 4 stars; one submission).

Allele frequency attached by ClinVar (database versions not stated): 1000 Genomes Project 30x 0.31230; 1000 Genomes Project 0.31510; TOPMed 0.34035; gnomAD 0.34701.
gnomAD v4.1: 51,077 of 147,860 alleles (35%); highest among the groups gnomAD compares: African/African-American, 42%; 8,887 homozygotes.

Submission:

GeneDx
Classification: Benign. Last evaluated: 2018-06-15. Review status: criteria provided, single submitter. Criteria: GeneDx Variant Classification (06012015). Collection method: clinical testing. Allele origin: germline. Affected: yes.
Comment: This variant is considered likely benign or benign based on one or more of the following criteria: it is a conservative change, it occurs at a poorly conserved position in the protein, it is predicted to be benign by multiple in silico algorithms, and/or has population frequency not consistent with disease.